The following is an entry in ClinVar:

ClinVar aggregate classification (germline): Uncertain significance (1 of 4 stars; one submission).

Submission:

Labcorp Genetics (formerly Invitae), Labcorp
Classification: Uncertain significance. Last evaluated: 2022-09-01. Review status: criteria provided, single submitter. Criteria: Invitae Variant Classification Sherloc (09022015). Collection method: clinical testing. Allele origin: germline.
Comment: Algorithms developed to predict the effect of missense changes on protein structure and function output the following: SIFT: "Tolerated"; PolyPhen-2: "Benign"; Align-GVGD: "Class C0". The arginine amino acid residue is found in multiple mammalian species, which suggests that this missense change does not adversely affect protein function. ClinVar contains an entry for this variant (Variation ID: 1376112). This variant has not been reported in the literature in individuals affected with LAMC3-related conditions. This variant is not present in population databases (gnomAD no frequency). This sequence change replaces glutamine, which is neutral and polar, with arginine, which is basic and polar, at codon 760 of the LAMC3 protein (p.Gln760Arg). In summary, the available evidence is currently insufficient to determine the role of this variant in disease. Therefore, it has been classified as a Variant of Uncertain Significance.

NM_006059.4(LAMC3):c.2279A>G (p.Gln760Arg)

Gene: LAMC3 (laminin subunit gamma 3; plus strand). Cytogenetic location: 9q34.12.
Variant type: single nucleotide variant.
Coding change: c.2279A>G on transcript NM_006059.4 (MANE Select); coding-DNA position 2279, A replaced by G.
Protein change: p.Gln760Arg; replaces glutamine 760 with arginine.
Molecular consequence: missense variant.
Genome position (GRCh38, 1-based): chr9:131,061,155, A>G. VCF-style: chr9-131061155-A-G. GRCh37 (hg19) VCF-style: chr9-133936542-A-G.
Other names: short protein forms Q760R.
Identifiers: ClinVar variation 1376112 (VCV001376112.6), dbSNP rs2133298923, ClinGen allele CA375267115.